The following is an entry in ClinVar:

ClinVar aggregate classification (germline): Uncertain significance (1 of 4 stars; one submission).

Submission:

Quest Diagnostics Nichols Institute San Juan Capistrano
Classification: Uncertain significance. Last evaluated: 2025-07-15. Review status: criteria provided, single submitter. Criteria: Quest Diagnostics criteria. Collection method: clinical testing. Allele origin: unknown.
Comment: The SMARCA4 c.4732-6G>A variant has not been reported in individuals with SMARCA4-related conditions in the published literature. It also has not been reported in large, multi-ethnic general populations (Genome Aggregation Database). Analysis of this variant using software algorithms for the prediction of the effect of nucleotide changes on splicing yielded predictions that this variant does not affect SMARCA4 mRNA splicing. Based on the available information, we are unable to determine the clinical significance of this variant.

NM_003072.5(SMARCA4):c.4636-6G>A

Gene: SMARCA4 (SWI/SNF related BAF chromatin remodeling complex subunit ATPase 4; plus strand). Cytogenetic location: 19p13.2.
Variant type: single nucleotide variant.
Coding change: c.4636-6G>A on transcript NM_003072.5 (MANE Select); 6 bases into the intron before coding-DNA position 4636, G replaced by A.
Molecular consequence: intron variant.
Genome position (GRCh38, 1-based): chr19:11,059,747, G>A. VCF-style: chr19-11059747-G-A. GRCh37 (hg19) VCF-style: chr19-11170423-G-A.
Other names: c.4636-6G>A (NM_001128844.3); c.4732-6G>A (NM_001128849.3, NM_001387283.1); c.4537-6G>A (NM_001128847.4, NM_001374457.1); c.4633-6G>A (NM_001411150.1); c.4546-6G>A (NM_001128845.2); c.4543-6G>A (NM_001128846.2); c.4534-6G>A (NM_001128848.2).
Identifiers: ClinVar variation 4533041 (VCV004533041.1).
Genomic context (GRCh38, chr19:11,059,747, plus strand): 5'-GCCAGGGCCGGGCAGGCAGCCCTCCAGTCGGGCCCATCCACTCAAGCCCCTGGTGTCTCT[G>A]CCCAGATCTATGAAGACTCCATCGTCTTGCAGTCGGTCTTCACCAGCGTGCGGCAGAAAA-3'